The following is an entry in ClinVar:

NM_000317.3(PTS):c.385A>G (p.Lys129Glu)

Gene: PTS (6-pyruvoyltetrahydropterin synthase; plus strand). Cytogenetic location: 11q23.1.
Variant type: single nucleotide variant.
Coding change: c.385A>G on transcript NM_000317.3 (MANE Select); coding-DNA position 385, A replaced by G.
Protein change: p.Lys129Glu; replaces lysine 129 with glutamic acid.
Molecular consequence: missense variant.
Genome position (GRCh38, 1-based): chr11:112,233,502, A>G. VCF-style: chr11-112233502-A-G. GRCh37 (hg19) VCF-style: chr11-112104225-A-G.
Other names: short protein forms K129E.
Identifiers: ClinVar variation 2137249 (VCV002137249.7), dbSNP rs1040441824, ClinGen allele CA228601257.

ClinVar aggregate classification (germline): Pathogenic/Likely pathogenic. Review status: criteria provided, multiple submitters, no conflicts (2 of 4 stars). 2 submissions from 2 submitters: Pathogenic (1); Likely pathogenic (1). Last evaluated 2024-02-21.

Conditions:
6-Pyruvoyl-tetrahydrobiopterin synthase deficiency. Also called: Hyperphenylalanemia, BH4-deficient, A; Hyperphenylalaninemia due to 6-pyruvoyl-tetrahydropterin synthase deficiency; PTS-Related Tetrahydrobiopterin Deficiency; BH4-deficient hyperphenylalaninemia A; PTS DEFICIENCY; 6-Pyruvoyltetrahydropterin Synthase Deficiency. Identifiers: Orphanet 13, Orphanet 238583, MedGen C0878676, MONDO:0009863, OMIM 261640.

Allele frequency attached by ClinVar (database versions not stated): gnomAD exomes below 0.00001; gnomAD 0.00002; TOPMed 0.00002.

Submissions (2):

Fulgent Genetics
Classification: Likely pathogenic for 6-Pyruvoyl-tetrahydrobiopterin synthase deficiency. Last evaluated: 2024-02-21. Review status: criteria provided, single submitter. Criteria: ACMG Guidelines, 2015. Collection method: clinical testing. Allele origin: germline.

Labcorp Genetics (formerly Invitae), Labcorp
Classification: Pathogenic for 6-Pyruvoyl-tetrahydrobiopterin synthase deficiency. Last evaluated: 2022-02-28. Review status: criteria provided, single submitter. Criteria: Invitae Variant Classification Sherloc (09022015). Collection method: clinical testing. Allele origin: germline.
Comment: For these reasons, this variant has been classified as Pathogenic. Experimental studies are conflicting or provide insufficient evidence to determine the effect of this variant on PTS function (PMID: 9222757). Algorithms developed to predict the effect of missense changes on protein structure and function (SIFT, PolyPhen-2, Align-GVGD) all suggest that this variant is likely to be tolerated. This missense change has been observed in individual(s) with 6-pyruvoyl-tetrahydropterin synthase deficiency (PMID: 9222757, 20059486). This variant is present in population databases (no rsID available, gnomAD 0.007%). This sequence change replaces lysine, which is basic and polar, with glutamic acid, which is acidic and polar, at codon 129 of the PTS protein (p.Lys129Glu).

Literature cited by the submitters: PubMed 9222757 (cited by Labcorp Genetics (formerly Invitae), Labcorp); PubMed 20059486 (cited by Labcorp Genetics (formerly Invitae), Labcorp).